The following is an entry in ClinVar:

ClinVar aggregate classification (germline): Pathogenic (1 of 4 stars; one submission).

Submission:

Labcorp Genetics (formerly Invitae), Labcorp
Classification: Pathogenic. Last evaluated: 2023-05-21. Review status: criteria provided, single submitter. Criteria: Invitae Variant Classification Sherloc (09022015). Collection method: clinical testing. Allele origin: unknown.
Comment: A gross deletion of the genomic region encompassing the full coding sequence of the RINT1 gene has been identified. Loss-of-function variants in RINT1 are known to be pathogenic (PMID: 31204009). The boundaries of this event are unknown as they extend beyond the assayed region for this gene and therefore may encompass additional genes. This variant has not been reported in the literature in individuals affected with RINT1-related conditions. For these reasons, this variant has been classified as Pathogenic.

Literature cited by the submitters: PubMed 31204009.

NC_000007.13:g.(?_104456677)_(105207758_?)del

Genes: KMT2E (lysine methyltransferase 2E (inactive); plus strand), LHFPL3 (LHFPL tetraspan subfamily member 3; plus strand), PUS7 (pseudouridine synthase 7; minus strand), RINT1 (RAD50 interactor 1; plus strand), SRPK2 (SRSF protein kinase 2; minus strand). Cytogenetic location: 7q22.2-22.3.
Variant type: Deletion.
Identifiers: ClinVar variation 3245924 (VCV003245924.1).